The following is an entry in ClinVar:

ClinVar aggregate classification (germline): Uncertain significance (1 of 4 stars; one submission).

Conditions:
Cardiovascular phenotype. Identifiers: MedGen CN230736.

Submission:

Ambry Genetics
Classification: Uncertain significance for Cardiovascular phenotype. Last evaluated: 2026-02-11. Review status: criteria provided, single submitter. Criteria: Ambry Variant Classification Scheme 2023. Collection method: clinical testing. Allele origin: germline.
Comment: The p.I235F variant (also known as c.703A>T), located in coding exon 6 of the SCN10A gene, results from an A to T substitution at nucleotide position 703. The isoleucine at codon 235 is replaced by phenylalanine, an amino acid with highly similar properties. This amino acid position is highly conserved in available vertebrate species. In addition, this alteration is predicted to be deleterious by in silico analysis. The evidence for this gene-disease relationship is limited; therefore, the clinical significance of this variant is unclear.

NM_006514.4(SCN10A):c.703A>T (p.Ile235Phe)

Gene: SCN10A (sodium voltage-gated channel alpha subunit 10; minus strand). Cytogenetic location: 3p22.2.
Variant type: single nucleotide variant.
Coding change: c.703A>T on transcript NM_006514.4 (MANE Select); coding-DNA position 703, A replaced by T.
Protein change: p.Ile235Phe; replaces isoleucine 235 with phenylalanine.
Molecular consequence: missense variant.
Genome position (GRCh38, 1-based): chr3:38,761,372, T>A on the plus strand (A>T on the coding strand, the complement: SCN10A is on the minus strand). VCF-style: chr3-38761372-T-A. GRCh37 (hg19) VCF-style: chr3-38802863-T-A.
Other names: c.703A>T, p.Ile235Phe (NM_001293306.2, NM_001293307.2); short protein forms I235F.
Identifiers: ClinVar variation 4844714 (VCV004844714.1).
Genomic context (GRCh38, chr3:38,761,372, plus strand): 5'-AGATGGTGAGGATGGTCACATCAGCCAGTTTCTTCACTGAGTGAATCAGGGCCCCCACAA[T>A]GACCTTCAGGCCTGCGGGAAGATGACAGTGGTATGACCACATGGATGAGGTAGCACACAC-3'
Protein context (NP_006505.4, residues 225-245): TVSVIPGLKV[Ile235Phe]VGALIHSVKK